The following is an entry in ClinVar:

NM_012079.6(DGAT1):c.1007TCT[2] (p.Phe338del)

Genes: DGAT1 (diacylglycerol O-acyltransferase 1; minus strand), LOC130001383 (ATAC-STARR-seq lymphoblastoid active region 28093; plus strand). Cytogenetic location: 8q24.3.
Variant type: Microsatellite.
Coding change: c.1007TCT[2] on transcript NM_012079.6 (MANE Select); two copies in a row of the 3-base unit TCT starting at c.1007; the reference has three copies in a row; one copy, 3 bases deleted.
Protein change: p.Phe338del; deletes phenylalanine 338.
Molecular consequence: inframe deletion.
Genome position (GRCh38, 1-based): chr8:144,317,412-144,317,414, AGA deleted on the plus strand (TCT on the coding strand, the reverse complement: DGAT1 is on the minus strand); deleting any 3 consecutive bases within chr8:144,317,412-144,317,420 gives the same sequence; the position shown is the placement nearest the transcript's 3' end. VCF-style (leftmost placement, unchanged base first): chr8-144317411-TAGA-T. GRCh37 (hg19) VCF-style: chr8-145541074-TAGA-T.
Other names: short protein forms F338del.
Identifiers: ClinVar variation 422909 (VCV000422909.5), dbSNP rs782575471, ClinGen allele CA4936702.
Genomic context (GRCh38, chr8:144,317,411, plus strand): 5'-TCCCGGTCTCCAAACTGCATGAGCTCAGCCACGGCATTCAGGCAGGAGTGGAAGAGCCAG[TAGA>T]AGAAGATGAGCCAGATGAGGTGATTGGGGACCTGGCAGGGAGGTGGGGGTGGGCACCAAG-3'

ClinVar aggregate classification (germline): Conflicting classifications of pathogenicity. Review status: criteria provided, conflicting classifications (1 of 4 stars). 2 submissions from 2 submitters: Likely pathogenic (1); Uncertain significance (1). Last evaluated 2022-06-29.

Submissions (2):

Labcorp Genetics (formerly Invitae), Labcorp
Classification: Uncertain significance. Last evaluated: 2022-06-29. Review status: criteria provided, single submitter. Criteria: Invitae Variant Classification Sherloc (09022015). Collection method: clinical testing. Allele origin: germline.
Comment: This variant, c.1013_1015del, results in the deletion of 1 amino acid(s) of the DGAT1 protein (p.Phe338del), but otherwise preserves the integrity of the reading frame. This variant is present in population databases (rs782575471, gnomAD 0.007%). This variant has been observed in individual(s) with congenital diarrhea (PMID: 28937539). ClinVar contains an entry for this variant (Variation ID: 422909). Experimental studies and prediction algorithms are not available or were not evaluated, and the functional significance of this variant is currently unknown. In summary, the available evidence is currently insufficient to determine the role of this variant in disease. Therefore, it has been classified as a Variant of Uncertain Significance.

GeneDx
Classification: Likely pathogenic. Last evaluated: 2016-12-14. Review status: criteria provided, single submitter. Criteria: GeneDx Variant Classification (06012015). Collection method: clinical testing. Allele origin: germline. Affected: yes.
Comment: The c.1013_1015delTCT variant in the DGAT1 gene has not been reported previously as a pathogenic variant, nor as a benign variant, to our knowledge. The c.1013_1015delTCT variant causes an inframe deletion of a Phenylalanine residue at codon 338, denoted p.Phe338del. The c.1013_1015delTCT variant was not observed in approximately 6500 individuals of European and African American ancestry in the NHLBI Exome Sequencing Project, indicating it is not a common benign variant in these populations. This deletion occurs at a position that is conserved. The c.1013_1015delTCT variant is a strong candidate for a pathogenic variant.

Literature cited by the submitters: PubMed 28937539 (cited by Labcorp Genetics (formerly Invitae), Labcorp).